The following is an entry in ClinVar:

ClinVar aggregate classification (germline): Pathogenic. Review status: criteria provided, single submitter (1 of 4 stars). 2 submissions from 1 submitter: Pathogenic (1). 1 of the submissions does not count toward it. Last evaluated 2018-11-28.

Conditions:
Developmental and epileptic encephalopathy, 30 (DEE30). Also called: Epileptic encephalopathy, early infantile, 30. Identifiers: MedGen C4225360, MONDO:0014595, OMIM 616341.
Primary ciliary dyskinesia. Also called: Ciliary dyskinesia. Identifiers: Orphanet 244, MedGen C0008780, MONDO:0016575, HP:0012265.

Submissions (2):

Labcorp Genetics (formerly Invitae), Labcorp
Classification: Pathogenic for Primary ciliary dyskinesia. Last evaluated: 2018-11-28. Review status: criteria provided, single submitter. Criteria: Invitae Variant Classification Sherloc (09022015). Collection method: clinical testing. Allele origin: germline.
Comment: A gross deletion of the genomic region encompassing the full coding sequence of the RSPH1 gene has been identified. The boundaries of this event are unknown as the deletion extends beyond the assayed region for this gene and therefore may encompass additional genes. This variant has not been reported in the literature in individuals with RSPH1-related disease. Loss-of-function variants in RSPH1 are known to be pathogenic (PMID: 23993197). For these reasons, this variant has been classified as Pathogenic.

Labcorp Genetics (formerly Invitae), Labcorp
Classification: Uncertain significance for Developmental and epileptic encephalopathy, 30. Last evaluated: 2020-06-07. Review status: flagged submission. Criteria: Invitae Variant Classification Sherloc (09022015). Collection method: clinical testing. Allele origin: germline. Not counted in ClinVar's aggregate classification.
Comment: A gross deletion of the genomic region encompassing the full coding sequence of the SIK1 gene has been identified. The boundaries of this event are unknown as the deletion extends beyond the assayed region for this gene and therefore may encompass additional genes. This variant has not been reported in the literature in individuals with SIK1-related conditions. The current clinical and genetic evidence is not sufficient to establish whether loss-of-function variants in SIK1 cause disease. In summary, the available evidence is currently insufficient to determine the role of this variant in disease. Therefore, it has been classified as a Variant of Uncertain Significance.
ClinVar note: Reason: Other

NC_000021.8:g.(?_43892908)_(45629566_?)del

Genes: WDR4 (WDR4 tRNA N7-guanosine methyltransferase non-catalytic subunit; minus strand), RRP1 (ribosomal RNA processing 1; plus strand), RRP1B (ribosomal RNA processing 1B; plus strand), GATD3 (glutamine amidotransferase class 1 domain containing 3; plus strand), HSF2BP (heat shock transcription factor 2 binding protein; minus strand) and 14 more. Cytogenetic location: 21q22.3.
Variant type: Deletion.
Identifiers: ClinVar variation 647965 (VCV000647965.2).